The following is an entry in ClinVar:

NM_030928.4(CDT1):c.1385G>A (p.Arg462Gln)

Gene: CDT1 (chromatin licensing and DNA replication factor 1; plus strand). Cytogenetic location: 16q24.3.
Variant type: single nucleotide variant.
Coding change: c.1385G>A on transcript NM_030928.4 (MANE Select); coding-DNA position 1385, G replaced by A.
Protein change: p.Arg462Gln; replaces arginine 462 with glutamine.
Molecular consequence: missense variant.
Genome position (GRCh38, 1-based): chr16:88,807,390, G>A. VCF-style: chr16-88807390-G-A. GRCh37 (hg19) VCF-style: chr16-88873798-G-A.
Other names: short protein forms R462Q.
Identifiers: ClinVar variation 30498 (VCV000030498.12), dbSNP rs387906917, ClinGen allele CA129282.
Genomic context (GRCh38, chr16:88,807,390, plus strand): 5'-CGGAGCAGGAGCAGCGGCTGCAGCGCTTAGAACGGCTGCCTGAGCTGGCCCGCGTGCTGC[G>A]GAGCGTCTTTGTGTCCGAACGCAAGCCTGCGCTCAGCATGGAGGTGGCCTGTGCCAGGAT-3'
Protein context (NP_112190.2, residues 452-472): ERLPELARVL[Arg462Gln]SVFVSERKPA

ClinVar aggregate classification (germline): Pathogenic/Likely pathogenic. Review status: criteria provided, multiple submitters, no conflicts (2 of 4 stars). 5 submissions from 5 submitters: Pathogenic (1); Likely pathogenic (3). 1 of the submissions does not count toward it. Last evaluated 2025-10-18.

Conditions:
Meier-Gorlin syndrome (MGORS1). Identifiers: Orphanet 2554, MedGen C1868684, MONDO:0016817. Disease mechanism: gain of function.
Meier-Gorlin syndrome 4 (MGORS4). Identifiers: Orphanet 2554, MedGen C3151120, MONDO:0013431, OMIM 613804.

Allele frequency attached by ClinVar (database versions not stated): gnomAD 0.00006 and 0.00005; gnomAD exomes 0.00006 and 0.00012; TOPMed 0.00007; ExAC 0.00005.
gnomAD v4.1: 183 of 1,612,676 alleles (0.011%); highest among the groups gnomAD compares: Non-Finnish European, 0.014%; no homozygotes.

Submissions (5):

Labcorp Genetics (formerly Invitae), Labcorp
Classification: Pathogenic. Last evaluated: 2025-10-18. Review status: criteria provided, single submitter. Criteria: Invitae Variant Classification Sherloc (09022015). Collection method: clinical testing. Allele origin: germline.
Comment: This sequence change replaces arginine, which is basic and polar, with glutamine, which is neutral and polar, at codon 462 of the CDT1 protein (p.Arg462Gln). This variant is present in population databases (rs387906917, gnomAD 0.02%). This missense change has been observed in individual(s) with Meier-Gorlin syndrome (PMID: 21358632). In at least one individual the data is consistent with being in trans (on the opposite chromosome) from a pathogenic variant. It has also been observed to segregate with disease in related individuals. ClinVar contains an entry for this variant (Variation ID: 30498). An algorithm developed to predict the effect of missense changes on protein structure and function (PolyPhen-2) suggests that this variant is likely to be disruptive. For these reasons, this variant has been classified as Pathogenic.

GeneDx
Classification: Likely pathogenic. Last evaluated: 2018-10-08. Review status: criteria provided, single submitter. Criteria: GeneDx Variant Classification (06012015). Collection method: clinical testing. Allele origin: germline. Affected: yes.
Comment: The R462Q variant in the CDT1 gene has been reported previously in the compound heterozygous state opposite of a second CDT1 variant in multiple unrelated individuals with Meier-Gorlin syndrome (Bicknell et al., 2011; de Munnik et al., 2012; Kim et al., 2017). In addition, two siblings with Meier-Gorlin syndrome were reported to be heterozygous for the R462Q variant, which they inherited from their unaffected father (de Munnik et al., 2012). Functional studies suggest R462Q is associated with impaired protein function (Pozo et al., 2018). Although not observed as homozygous, the R462Q variant is observed in 2/10104 (0.020%) alleles from individuals of Ashkenazi Jewish background and 16/275644 (0.0058%) total alleles in large population cohorts (Lek et al., 2016). The R462Q variant is a semi-conservative amino acid substitution, which may impact secondary protein structure as these residues differ in some properties. We interpret R462Q as a likely pathogenic variant.

Laboratory for Molecular Medicine, Mass General Brigham Personalized Medicine
Classification: Likely pathogenic for Meier-Gorlin syndrome. Last evaluated: 2018-03-23. Review status: criteria provided, single submitter. Criteria: LMM Criteria. Collection method: clinical testing. Allele origin: germline. Inheritance: Autosomal recessive inheritance. Observed: 1 variant allele.
Comment: The p.Arg462Gln variant in CDT1 has been reported in 4 compound heterozygous ind ividuals with Meier-Gorlin syndrome and segregated with the disease in 3 affecte d family members (Bicknekk 2011, de Munnik 2012); it has also been reported, in the heterozygous state in 2 siblings affected with the syndrome (de Munnik 2012) . This variant has been identified in 0.009% (11/125,656) of European chromosome s by the Genome Aggregation Database (gnomAD; dbSNP rs387906917). Although this variant has been seen in the general populatio n, its frequency is low enough to be consistent with a recessive carrier frequen cy. This variant has also been reported in ClinVar (Variation ID# 30498). Comput ational prediction tools do not provide strong support for or against an impact to the protein. In vitro functional studies, involving the orthologous mouse res idue provide some evidence that the p.Arg462Gln variant may impact protein funct ion (Bicknell 2011), however, these types of assays may not accurately represent biological function. In summary, this variant meets criteria to be classified a s likely pathogenic for Meier-Gorlin syndrome in an autosomal recessive manner b ased upon segregation studies, low frequency in controls, functional evidence. A CMG/AMP Criteria applied: PM2, PM3_VeryStrong, PS3_Supporting

Center for Pediatric Genomic Medicine, Children's Mercy Hospital and Clinics
Classification: Likely pathogenic. Last evaluated: 2016-09-23. Review status: criteria provided, single submitter. Criteria: ACMG Guidelines, 2015. Collection method: clinical testing. Allele origin: germline.

OMIM
Classification: Pathogenic for MEIER-GORLIN SYNDROME 4. Last evaluated: 2011-02-27. Review status: no assertion criteria provided. Collection method: literature only. Allele origin: germline. Not counted in ClinVar's aggregate classification.

Literature cited by the submitters: PubMed 21358632 (cited by 3 submitters); PubMed 22333897 (cited by Laboratory for Molecular Medicine, Mass General Brigham Personalized Medicine); PubMed 23023959 (cited by Laboratory for Molecular Medicine, Mass General Brigham Personalized Medicine); PubMed 11992493 (cited by OMIM).